The following is an entry in ClinVar:

NM_000275.3(OCA2):c.1637-3C>A

Gene: OCA2 (OCA2 melanosomal transmembrane protein; minus strand). Cytogenetic location: 15q13.1.
Variant type: single nucleotide variant.
Coding change: c.1637-3C>A on transcript NM_000275.3 (MANE Select); 3 bases into the intron before coding-DNA position 1637, C replaced by A.
Molecular consequence: intron variant.
Genome position (GRCh38, 1-based): chr15:27,957,738, G>T on the plus strand (C>A on the coding strand, the complement: OCA2 is on the minus strand). VCF-style: chr15-27957738-G-T. GRCh37 (hg19) VCF-style: chr15-28202884-G-T.
Other names: c.1565-3C>A (NM_001300984.2).
Identifiers: ClinVar variation 2000583 (VCV002000583.4), dbSNP rs758690267, ClinGen allele CA2580089181.
Genomic context (GRCh38, chr15:27,957,738, plus strand): 5'-CTGGCCGGGCTGATGCGCTGAGCAGTCAGGCGCCAGACGTGAATCTCGTGCTTCAGTTCT[G>T]CAGAGAAAGGAAGGCGAAGCTTGGGTCTCCCATGACCTCAGATATCAGCAACACCCTCCT-3'

ClinVar aggregate classification (germline): Uncertain significance (1 of 4 stars; one submission).

Submission:

Labcorp Genetics (formerly Invitae), Labcorp
Classification: Uncertain significance. Last evaluated: 2022-05-29. Review status: criteria provided, single submitter. Criteria: Invitae Variant Classification Sherloc (09022015). Collection method: clinical testing. Allele origin: germline.
Comment: This sequence change falls in intron 15 of the OCA2 gene. It does not directly change the encoded amino acid sequence of the OCA2 protein. It affects a nucleotide within the consensus splice site. This variant is not present in population databases (gnomAD no frequency). This variant has not been reported in the literature in individuals affected with OCA2-related conditions. Variants that disrupt the consensus splice site are a relatively common cause of aberrant splicing (PMID: 17576681, 9536098). Algorithms developed to predict the effect of sequence changes on RNA splicing suggest that this variant may create or strengthen a splice site. In summary, the available evidence is currently insufficient to determine the role of this variant in disease. Therefore, it has been classified as a Variant of Uncertain Significance.

Literature cited by the submitters: PubMed 17576681; PubMed 9536098.